The following is an entry in ClinVar:

ClinVar aggregate classification (germline): Uncertain significance. Review status: criteria provided, multiple submitters, no conflicts (2 of 4 stars). 5 submissions from 5 submitters: Uncertain significance (5). Last evaluated 2025-07-08.

Conditions:
Hereditary cancer-predisposing syndrome. Also called: Neoplastic Syndromes, Hereditary; Tumor predisposition; Hereditary Cancer Syndrome; Hereditary neoplastic syndrome. Identifiers: Orphanet 140162, MedGen C0027672, MeSH D009386, MONDO:0015356.
Cardiovascular phenotype. Identifiers: MedGen CN230736.
Neurofibromatosis, type 1 (NF1). Also called: VON RECKLINGHAUSEN DISEASE; NEUROFIBROMATOSIS, TYPE I, SOMATIC; Peripheral type neurofibromatosis; Neurofibromatosis, type I. Identifiers: Orphanet 636, MedGen C0027831, MONDO:0018975, OMIM 162200. Disease mechanism: loss of function.

gnomAD v4.1: 3 of 1,613,622 alleles (0.00019%); highest among the groups gnomAD compares: East Asian, 0.0022%; no homozygotes.

Submissions (5):

Labcorp Genetics (formerly Invitae), Labcorp
Classification: Uncertain significance for Neurofibromatosis, type 1. Last evaluated: 2025-07-08. Review status: criteria provided, single submitter. Criteria: Invitae Variant Classification Sherloc (09022015). Collection method: clinical testing. Allele origin: germline.
Comment: This sequence change replaces arginine, which is basic and polar, with leucine, which is neutral and non-polar, at codon 765 of the NF1 protein (p.Arg765Leu). This variant is present in population databases (no rsID available, gnomAD 0.006%). This variant has not been reported in the literature in individuals affected with NF1-related conditions. ClinVar contains an entry for this variant (Variation ID: 561704). Invitae Evidence Modeling of protein sequence and biophysical properties (such as structural, functional, and spatial information, amino acid conservation, physicochemical variation, residue mobility, and thermodynamic stability) has been performed for this missense variant. However, the output from this modeling did not meet the statistical confidence thresholds required to predict the impact of this variant on NF1 protein function. In summary, the available evidence is currently insufficient to determine the role of this variant in disease. Therefore, it has been classified as a Variant of Uncertain Significance.

Quest Diagnostics Nichols Institute San Juan Capistrano
Classification: Uncertain significance. Last evaluated: 2024-09-25. Review status: criteria provided, single submitter. Criteria: Quest Diagnostics criteria. Collection method: clinical testing. Allele origin: unknown.
Comment: The NF1 c.2294G>T (p.Arg765Leu) variant has been reported in the published literature in an individual with breast cancer (PMID: 33471991 (2021), see also LOVD). This variant has also been observed in reportedly healthy individuals (PMID: 30287823 (2018), 33471991 (2021), 36243179 (2022), see also LOVD). The frequency of this variant in the general population, 0.000004 (1/250754 chromosomes (Genome Aggregation Database)), is uninformative in the assessment of its pathogenicity. Analysis of this variant using bioinformatics tools for the prediction of the effect of amino acid changes on protein structure and function yielded predictions that this variant is damaging. Based on the available information, we are unable to determine the clinical significance of this variant.

Ambry Genetics
Classification: Uncertain significance for Cardiovascular phenotype; Hereditary cancer-predisposing syndrome. Last evaluated: 2024-09-09. Review status: criteria provided, single submitter. Criteria: Ambry Variant Classification Scheme 2023. Collection method: clinical testing. Allele origin: germline.
Comment: The p.R765L variant (also known as c.2294G>T), located in coding exon 19 of the NF1 gene, results from a G to T substitution at nucleotide position 2294. The arginine at codon 765 is replaced by leucine, an amino acid with dissimilar properties. This alteration was observed with an allele frequency of 0 in 7,051 unselected female breast cancer patients and was observed with an allele frequency of 0.00009 in 11,241 female controls of Japanese ancestry (Momozawa Y et al. Nat Commun, 2018 10;9:4083). This variant was also detected in a cohort of Chinese breast cancer patients (Chen B et al. Aging (Albany NY), 2020 02;12:3140-3155). This amino acid position is highly conserved in available vertebrate species. In addition, this alteration is predicted to be deleterious by in silico analysis. Since supporting evidence is limited at this time, the clinical significance of this alteration remains unclear.

Genome-Nilou Lab
Classification: Uncertain significance for Neurofibromatosis, type 1. Last evaluated: 2022-03-15. Review status: criteria provided, single submitter. Criteria: ACMG Guidelines, 2015. Collection method: clinical testing. Allele origin: germline. Affected: no.

GeneDx
Classification: Uncertain significance. Last evaluated: 2017-12-11. Review status: criteria provided, single submitter. Criteria: GeneDx Variant Classification (06012015). Collection method: clinical testing. Allele origin: germline. Affected: yes.
Comment: The R765L variant in the NF1 gene has not, to our knowledge, been published in the literature as pathogenic or benign. This variant was not observed in large population cohorts (Lek et al., 2016). Since Arginine and Leucine differ in polarity, charge, size or other properties, this is considered a non-conservative amino acid substitution. This substitution is located within the GTPase activating protein domain (Luo et al., 2014). In-silico analyses, including protein predictors and evolutionary conservation, support a deleterious effect. Based on currently available evidence, we consider R765L to be a variant of uncertain significance.

Literature cited by the submitters: PubMed 30287823 (cited by Quest Diagnostics Nichols Institute San Juan Capistrano and Ambry Genetics); PubMed 36243179 (cited by Quest Diagnostics Nichols Institute San Juan Capistrano); PubMed 33471991 (cited by Quest Diagnostics Nichols Institute San Juan Capistrano); PubMed 32091409 (cited by Ambry Genetics).

NM_001042492.3(NF1):c.2294G>T (p.Arg765Leu)

Gene: NF1 (neurofibromin 1; plus strand). Cytogenetic location: 17q11.2.
Variant type: single nucleotide variant.
Coding change: c.2294G>T on transcript NM_001042492.3 (MANE Select); coding-DNA position 2294, G replaced by T.
Protein change: p.Arg765Leu; replaces arginine 765 with leucine.
Molecular consequence: missense variant.
Genome position (GRCh38, 1-based): chr17:31,227,260, G>T. VCF-style: chr17-31227260-G-T. GRCh37 (hg19) VCF-style: chr17-29554278-G-T.
Other names: c.2294G>T, p.Arg765Leu (NM_000267.4); short protein forms R765L.
Identifiers: ClinVar variation 561704 (VCV000561704.13), dbSNP rs199474777, ClinGen allele CA398982823.